The following is an entry in ClinVar:

ClinVar aggregate classification (germline): Benign. Review status: criteria provided, multiple submitters, no conflicts (2 of 4 stars). 2 submissions from 2 submitters: Benign (2). Last evaluated 2018-01-12.

Conditions:
Autoimmune lymphoproliferative syndrome type 1. Also called: AUTOIMMUNE LYMPHOPROLIFERATIVE SYNDROME, TYPE I, AUTOSOMAL DOMINANT. Identifiers: Orphanet 3261, MedGen C2717884, MONDO:0011158, OMIM 601859.

Allele frequency attached by ClinVar (database versions not stated): gnomAD 0.00117 and 0.00130; TOPMed 0.00170; ExAC 0.00362; gnomAD exomes 0.00190 and 0.00192; 1000 Genomes Project 0.00140; 1000 Genomes Project 30x 0.00187.
gnomAD v4.1: 945 of 534,710 alleles (0.18%); highest among the groups gnomAD compares: Middle Eastern, 1.4%; 7 homozygotes.

Submissions (2):

Illumina Laboratory Services, Illumina
Classification: Benign for Autoimmune lymphoproliferative syndrome type 1. Last evaluated: 2018-01-12. Review status: criteria provided, single submitter. Criteria: ICSL Variant Classification Criteria 13 December 2019. Collection method: clinical testing. Allele origin: germline.
Comment: This variant was observed in the ICSL laboratory as part of a predisposition screen in an ostensibly healthy population. It had not been previously curated by ICSL or reported in the Human Gene Mutation Database (HGMD: prior to June 1st, 2018), and was therefore a candidate for classification through an automated scoring system. Utilizing variant allele frequency, disease prevalence and penetrance estimates, and inheritance mode, an automated score was calculated to assess if this variant is too frequent to cause the disease. Based on the score and internal cut-off values, a variant classified as benign is not then subjected to further curation. The score for this variant resulted in a classification of benign for this disease.

Breakthrough Genomics
Classification: Benign. Review status: criteria provided, single submitter. Criteria: ACMG Guidelines, 2015. Collection method: not provided. Allele origin: germline. Inheritance: Autosomal dominant inheritance. Affected: yes.

NM_000043.6(FAS):c.*638T>C

Gene: FAS (Fas cell surface death receptor; plus strand). Cytogenetic location: 10q23.31.
Variant type: single nucleotide variant.
Coding change: c.*638T>C on transcript NM_000043.6 (MANE Select); 638 bases downstream of the stop codon, T replaced by C.
Molecular consequence: 3 prime UTR variant. On other transcripts: non-coding transcript variant (7).
Genome position (GRCh38, 1-based): chr10:89,015,088, T>C. VCF-style: chr10-89015088-T-C. GRCh37 (hg19) VCF-style: chr10-90774845-T-C.
Other names: c.*969T>C (NM_001320619.2); c.*638T>C (NM_152871.4); c.*958T>C (NM_152872.4).
Identifiers: ClinVar variation 301540 (VCV000301540.6), dbSNP rs192032778, ClinGen allele CA5593277.
Genomic context (GRCh38, chr10:89,015,088, plus strand): 5'-TTATTGGTGTCATATTATACAATATTTCAATTGTGAATTCACATAGAAAACATTAAATTA[T>C]AATGTTTGACTATTATATATGTGTATGCATTTTACTGGCTCAAAACTACCTACTTCTTTC-3'